The following is an entry in ClinVar:

ClinVar aggregate classification (germline): Conflicting classifications of pathogenicity. Review status: criteria provided, conflicting classifications (1 of 4 stars). 4 submissions from 4 submitters: Uncertain significance (2); Likely benign (2). Last evaluated 2026-01-21.

Conditions:
Long QT syndrome (LQTS). Identifiers: MedGen C0023976, MeSH D008133, MONDO:0002442. Disease mechanism: loss of function. Inheritance: Various modes of inheritance.
Cardiovascular phenotype. Identifiers: MedGen CN230736.

Allele frequency attached by ClinVar (database versions not stated): gnomAD 0.00003 and 0.00002; ExAC 0.00004; gnomAD exomes 0.00005 and 0.00009; TOPMed 0.00005.
gnomAD v4.1: 81 of 1,612,418 alleles (0.005%); highest among the groups gnomAD compares: East Asian, 0.0045%; no homozygotes.

Submissions (4):

Labcorp Genetics (formerly Invitae), Labcorp
Classification: Likely benign for Long QT syndrome. Last evaluated: 2026-01-21. Review status: criteria provided, single submitter. Criteria: Invitae Variant Classification Sherloc (09022015). Collection method: clinical testing. Allele origin: germline.

GeneDx
Classification: Uncertain significance. Last evaluated: 2025-12-31. Review status: criteria provided, single submitter. Criteria: GeneDx Variant Classification Process June 2021. Collection method: clinical testing. Allele origin: germline. Affected: yes.
Comment: Has not been previously published as pathogenic or benign to our knowledge; In silico analysis supports that this missense variant has a deleterious effect on protein structure/function

Mayo Clinic Laboratories, Mayo Clinic
Classification: Uncertain significance. Last evaluated: 2022-10-04. Review status: criteria provided, single submitter. Criteria: ACMG Guidelines, 2015. Collection method: clinical testing. Allele origin: germline. Observed: 2 variant alleles.
Comment: BS1, PP2

Ambry Genetics
Classification: Likely benign for Cardiovascular phenotype. Last evaluated: 2019-11-27. Review status: criteria provided, single submitter. Criteria: Ambry Variant Classification Scheme 2023. Collection method: clinical testing. Allele origin: germline.

NM_000719.7(CACNA1C):c.1486C>T (p.Arg496Trp)

Gene: CACNA1C (calcium voltage-gated channel subunit alpha1 C; plus strand). Cytogenetic location: 12p13.33.
Variant type: single nucleotide variant.
Coding change: c.1486C>T on transcript NM_000719.7 (MANE Select); coding-DNA position 1486, C replaced by T.
Protein change: p.Arg496Trp; replaces arginine 496 with tryptophan.
Molecular consequence: missense variant.
Genome position (GRCh38, 1-based): chr12:2,556,955, C>T. VCF-style: chr12-2556955-C-T. GRCh37 (hg19) VCF-style: chr12-2666121-C-T.
Other names: p.R496W:CGG>TGG; c.1486C>T, p.Arg496Trp (NM_001129827.2, NM_001129829.2, NM_001129830.3 and 18 more transcripts); c.1477C>T, p.Arg493Trp (NM_001129844.2); short protein forms R496W, R493W.
Identifiers: ClinVar variation 190699 (VCV000190699.29), dbSNP rs760888275, ClinGen allele CA301719.